The following is an entry in ClinVar:

NM_201548.5(CERKL):c.209G>A (p.Trp70Ter)

Genes: CERKL (CERK like autophagy regulator; minus strand), LOC129935214 (ATAC-STARR-seq lymphoblastoid silent region 12157; plus strand). Cytogenetic location: 2q31.3.
Variant type: single nucleotide variant.
Coding change: c.209G>A on transcript NM_201548.5 (MANE Select); coding-DNA position 209, G replaced by A.
Protein change: p.Trp70Ter; replaces tryptophan 70 with a stop codon.
Molecular consequence: nonsense. On other transcripts: non-coding transcript variant (2).
Genome position (GRCh38, 1-based): chr2:181,656,798, C>T on the plus strand (G>A on the coding strand, the complement: CERKL is on the minus strand). VCF-style: chr2-181656798-C-T. GRCh37 (hg19) VCF-style: chr2-182521525-C-T.
Other names: c.209G>A, p.Trp70Ter (NM_001030311.3, NM_001030312.3, NM_001030313.3 and 3 more transcripts); short protein forms W70*.
Identifiers: ClinVar variation 2020740 (VCV002020740.4), dbSNP rs2468581605, ClinGen allele CA349744325.
Genomic context (GRCh38, chr2:181,656,798, plus strand): 5'-GAGGCGAAGACGCTTGGGGCCGGGCACTCACCCGCCGGGCGCTCGGGCTGAATGGGCCGC[C>T]ACCGCAGTGCTCGCTCGCTCAGCACCACGTCACAACTGTCCCTCCCGATCTCGAAGATGC-3'

ClinVar aggregate classification (germline): Pathogenic (1 of 4 stars; one submission).

Allele frequency attached by ClinVar (database versions not stated): gnomAD exomes below 0.00001.
gnomAD v4.1: 1 of 1,596,426 alleles (0.000063%); highest among the groups gnomAD compares: Non-Finnish European, 0.000086%; no homozygotes.

Submission:

Labcorp Genetics (formerly Invitae), Labcorp
Classification: Pathogenic. Last evaluated: 2023-01-05. Review status: criteria provided, single submitter. Criteria: Invitae Variant Classification Sherloc (09022015). Collection method: clinical testing. Allele origin: germline.
Comment: For these reasons, this variant has been classified as Pathogenic. This variant has not been reported in the literature in individuals affected with CERKL-related conditions. This variant is not present in population databases (gnomAD no frequency). This sequence change creates a premature translational stop signal (p.Trp70*) in the CERKL gene. It is expected to result in an absent or disrupted protein product. Loss-of-function variants in CERKL are known to be pathogenic (PMID: 14681825, 23591405, 24043777).

Literature cited by the submitters: PubMed 14681825; PubMed 23591405; PubMed 24043777.